The following is an entry in ClinVar:

NM_013266.4(CTNNA3):c.2248del (p.Arg750fs)

Gene: CTNNA3 (catenin alpha 3; minus strand). Cytogenetic location: 10q21.3.
Variant type: Deletion.
Coding change: c.2248del on transcript NM_013266.4 (MANE Select); coding-DNA position 2248, one base deleted (C; older notation c.2248delC).
Protein change: p.Arg750fs; shifts the reading frame from arginine 750.
Molecular consequence: frameshift variant.
Genome position (GRCh38, 1-based): chr10:65,988,709, G deleted on the plus strand (C on the coding strand, the reverse complement: CTNNA3 is on the minus strand). VCF-style (leftmost placement, unchanged base first): chr10-65988708-CG-C. GRCh37 (hg19) VCF-style: chr10-67748466-CG-C.
Other names: c.2248del, p.Arg750fs (NM_001127384.3); short protein forms R750fs.
Identifiers: ClinVar variation 2818678 (VCV002818678.3), dbSNP rs1564561249, ClinGen allele CA594161412.

ClinVar aggregate classification (germline): Uncertain significance (1 of 4 stars; one submission).

Conditions:
Arrhythmogenic right ventricular dysplasia 13. Also called: ARRHYTHMOGENIC RIGHT VENTRICULAR CARDIOMYOPATHY 13; Arrhythmogenic right ventricular dysplasia, familial, 13. Identifiers: MedGen C3810138, MONDO:0000908, OMIM 615616.

Allele frequency attached by ClinVar (database versions not stated): gnomAD exomes below 0.00001.

Submission:

Labcorp Genetics (formerly Invitae), Labcorp
Classification: Uncertain significance for Arrhythmogenic right ventricular dysplasia 13. Last evaluated: 2025-06-11. Review status: criteria provided, single submitter. Criteria: Invitae Variant Classification Sherloc (09022015). Collection method: clinical testing. Allele origin: germline.
Comment: This sequence change creates a premature translational stop signal (p.Arg750Glyfs*30) in the CTNNA3 gene. It is expected to result in an absent or disrupted protein product. However, the current clinical and genetic evidence is not sufficient to establish whether loss-of-function variants in CTNNA3 cause disease. This variant is present in population databases (no rsID available, gnomAD 0.006%). This variant has not been reported in the literature in individuals affected with CTNNA3-related conditions. ClinVar contains an entry for this variant (Variation ID: 2818678). In summary, the available evidence is currently insufficient to determine the role of this variant in disease. Therefore, it has been classified as a Variant of Uncertain Significance.